The following is an entry in ClinVar:

ClinVar aggregate classification (germline): Uncertain significance (1 of 4 stars; one submission).

Conditions:
Combined oxidative phosphorylation deficiency 36 (COXPD36). Identifiers: MedGen C4693722, MONDO:0054781, OMIM 617950.

Submission:

3billion
Classification: Uncertain significance for Combined oxidative phosphorylation deficiency 36. Last evaluated: 2025-03-31. Review status: criteria provided, single submitter. Criteria: ACMG Guidelines, 2015. Collection method: clinical testing. Allele origin: germline. Affected: yes.
Comment: The variant is not observed in the gnomAD v4.1.0 dataset. Predicted Consequence/Location: Missense variant. In silico tool predictions suggest damaging effect of the variant on gene or gene product [3Cnet: 0.92 (> 0.75, sensitivity 0.96 and precision 0.92)]. Therefore, this variant is classified as VUS according to the recommendation of ACMG/AMP guideline.

NM_016034.5(MRPS2):c.345C>G (p.Ile115Met)

Genes: MRPS2 (mitochondrial ribosomal protein S2; plus strand), LOC101928525 (uncharacterized LOC101928525; minus strand). Cytogenetic location: 9q34.3.
Variant type: single nucleotide variant.
Coding change: c.345C>G on transcript NM_016034.5 (MANE Select); coding-DNA position 345, C replaced by G.
Protein change: p.Ile115Met; replaces isoleucine 115 with methionine.
Molecular consequence: missense variant. On other transcripts: non-coding transcript variant (5).
Genome position (GRCh38, 1-based): chr9:135,503,587, C>G. VCF-style: chr9-135503587-C-G. GRCh37 (hg19) VCF-style: chr9-138395433-C-G.
Other names: c.345C>G, p.Ile115Met (NM_001371401.1); short protein forms I115M.
Identifiers: ClinVar variation 4292158 (VCV004292158.1).
Genomic context (GRCh38, chr9:135,503,587, plus strand): 5'-TGGGGTCTCTGGCAGGTTTATGGAGCCGTACATCTTTGGGAGCCGCCTGGACCACGACAT[C>G]ATCGACCTGGAACAGACAGCCACGCACCTCCAGCTGGCCTTGAACTTCACCGCCCACATG-3'
Protein context (NP_057118.1, residues 105-125): YIFGSRLDHD[Ile115Met]IDLEQTATHL